The following is an entry in ClinVar:

NM_006015.6(ARID1A):c.846C>T (p.Ala282=)

Genes: ARID1A (AT-rich interaction domain 1A; plus strand), LOC129929837 (ATAC-STARR-seq lymphoblastoid silent region 489; plus strand). Cytogenetic location: 1p36.11.
Variant type: single nucleotide variant.
Coding change: c.846C>T on transcript NM_006015.6 (MANE Select); coding-DNA position 846, C replaced by T.
Protein change: p.Ala282=; no amino-acid change (alanine 282 retained).
Molecular consequence: synonymous variant.
Genome position (GRCh38, 1-based): chr1:26,697,249, C>T. VCF-style: chr1-26697249-C-T. GRCh37 (hg19) VCF-style: chr1-27023740-C-T.
Other names: c.846C>T, p.Ala282= (NM_139135.4).
Identifiers: ClinVar variation 2638528 (VCV002638528.24), dbSNP rs1570540399, ClinGen allele CA416989653.

ClinVar aggregate classification (germline): Likely benign (1 of 4 stars; one submission).

Allele frequency attached by ClinVar (database versions not stated): gnomAD exomes below 0.00001.
gnomAD v4.1: 3 of 1,372,370 alleles (0.00022%); highest among the groups gnomAD compares: East Asian, 0.003%; no homozygotes.

Submission:

CeGaT Center for Human Genetics Tuebingen
Classification: Likely benign. Last evaluated: 2023-04-01. Review status: criteria provided, single submitter. Criteria: CeGaT Center For Human Genetics Tuebingen Variant Classification Criteria Version 2. Collection method: clinical testing. Allele origin: germline. Affected: yes. Observed: 1 variant allele.
Comment: ARID1A: PM2:Supporting, BP4, BP7